The following is an entry in ClinVar:

ClinVar aggregate classification (germline): Uncertain significance (1 of 4 stars; one submission).

Conditions:
Werner syndrome (WRN). Identifiers: Orphanet 902, MedGen C0043119, MONDO:0010196, OMIM 277700.

Allele frequency attached by ClinVar (database versions not stated): TOPMed 0.00001.

Submission:

Labcorp Genetics (formerly Invitae), Labcorp
Classification: Uncertain significance for Werner syndrome. Last evaluated: 2021-11-19. Review status: criteria provided, single submitter. Criteria: Invitae Variant Classification Sherloc (09022015). Collection method: clinical testing. Allele origin: germline.
Comment: This sequence change replaces alanine, which is neutral and non-polar, with serine, which is neutral and polar, at codon 1147 of the WRN protein (p.Ala1147Ser). This variant is not present in population databases (gnomAD no frequency). This variant has not been reported in the literature in individuals affected with WRN-related conditions. Algorithms developed to predict the effect of missense changes on protein structure and function output the following: SIFT: "Not Available"; PolyPhen-2: "Benign"; Align-GVGD: "Not Available". The serine amino acid residue is found in multiple mammalian species, which suggests that this missense change does not adversely affect protein function. In summary, the available evidence is currently insufficient to determine the role of this variant in disease. Therefore, it has been classified as a Variant of Uncertain Significance.

NM_000553.6(WRN):c.3439G>T (p.Ala1147Ser)

Gene: WRN (WRN RecQ like helicase; plus strand). Cytogenetic location: 8p12.
Variant type: single nucleotide variant.
Coding change: c.3439G>T on transcript NM_000553.6 (MANE Select); coding-DNA position 3439, G replaced by T.
Protein change: p.Ala1147Ser; replaces alanine 1147 with serine.
Molecular consequence: missense variant.
Genome position (GRCh38, 1-based): chr8:31,147,108, G>T. VCF-style: chr8-31147108-G-T. GRCh37 (hg19) VCF-style: chr8-31004624-G-T.
Other names: short protein forms A1147S.
Identifiers: ClinVar variation 1430543 (VCV001430543.3), dbSNP rs868755903, ClinGen allele CA370925451.